The following is an entry in ClinVar:

NM_000350.3(ABCA4):c.3996G>T (p.Gln1332His)

Gene: ABCA4 (ATP binding cassette subfamily A member 4; minus strand). Cytogenetic location: 1p22.1.
Variant type: single nucleotide variant.
Coding change: c.3996G>T on transcript NM_000350.3 (MANE Select); coding-DNA position 3996, G replaced by T.
Protein change: p.Gln1332His; replaces glutamine 1332 with histidine.
Molecular consequence: missense variant.
Genome position (GRCh38, 1-based): chr1:94,031,910, C>A on the plus strand (G>T on the coding strand, the complement: ABCA4 is on the minus strand). VCF-style: chr1-94031910-C-A. GRCh37 (hg19) VCF-style: chr1-94497466-C-A.
Other names: c.3774G>T, p.Gln1258His (NM_001425324.1); short protein forms Q1332H, Q1258H.
Identifiers: ClinVar variation 1034173 (VCV001034173.1), dbSNP rs765176802, ClinGen allele CA341287505.

ClinVar aggregate classification (germline): Uncertain significance (1 of 4 stars; one submission).

Conditions:
Cone-rod dystrophy 3 (CORD3). Identifiers: Orphanet 1872, MedGen C1858806, MONDO:0011395, OMIM 604116.

Allele frequency attached by ClinVar (database versions not stated): gnomAD 0.00001; TOPMed 0.00001.
gnomAD v4.1: 3 of 1,614,054 alleles (0.00019%); highest among the groups gnomAD compares: Admixed American, 0.005%; no homozygotes.

Submission:

Baylor Genetics
Classification: Uncertain significance for Cone-rod dystrophy 3. Last evaluated: 2018-02-08. Review status: criteria provided, single submitter. Criteria: ACMG Guidelines, 2015. Collection method: clinical testing. Allele origin: maternal. Affected: yes.
Comment: This variant was determined to be of uncertain significance according to ACMG Guidelines, 2015 [PMID:25741868].